The following is an entry in ClinVar:

ClinVar aggregate classification (germline): Uncertain significance (1 of 4 stars; one submission).

Submission:

Labcorp Genetics (formerly Invitae), Labcorp
Classification: Uncertain significance. Last evaluated: 2024-09-23. Review status: criteria provided, single submitter. Criteria: Invitae Variant Classification Sherloc (09022015). Collection method: clinical testing. Allele origin: germline.
Comment: This sequence change replaces asparagine, which is neutral and polar, with aspartic acid, which is acidic and polar, at codon 329 of the ASPM protein (p.Asn329Asp). This variant is not present in population databases (gnomAD no frequency). This variant has not been reported in the literature in individuals affected with ASPM-related conditions. Invitae Evidence Modeling of protein sequence and biophysical properties (such as structural, functional, and spatial information, amino acid conservation, physicochemical variation, residue mobility, and thermodynamic stability) indicates that this missense variant is not expected to disrupt ASPM protein function with a negative predictive value of 80%. In summary, the available evidence is currently insufficient to determine the role of this variant in disease. Therefore, it has been classified as a Variant of Uncertain Significance.

NM_018136.5(ASPM):c.985A>G (p.Asn329Asp)

Gene: ASPM (assembly factor for spindle microtubules; minus strand). Cytogenetic location: 1q31.3.
Variant type: single nucleotide variant.
Coding change: c.985A>G on transcript NM_018136.5 (MANE Select); coding-DNA position 985, A replaced by G.
Protein change: p.Asn329Asp; replaces asparagine 329 with aspartic acid.
Molecular consequence: missense variant.
Genome position (GRCh38, 1-based): chr1:197,143,267, T>C on the plus strand (A>G on the coding strand, the complement: ASPM is on the minus strand). VCF-style: chr1-197143267-T-C. GRCh37 (hg19) VCF-style: chr1-197112397-T-C.
Other names: c.985A>G, p.Asn329Asp (NM_001206846.2); short protein forms N329D.
Identifiers: ClinVar variation 3666851 (VCV003666851.2).